The following is an entry in ClinVar:

ClinVar aggregate classification (germline): Uncertain significance (1 of 4 stars; one submission).

Conditions:
Developmental and epileptic encephalopathy. Identifiers: MedGen C5779964, MONDO:0100620.

Submission:

Labcorp Genetics (formerly Invitae), Labcorp
Classification: Uncertain significance for Early-infantile DEE. Last evaluated: 2021-08-30. Review status: criteria provided, single submitter. Criteria: Invitae Variant Classification Sherloc (09022015). Collection method: clinical testing. Allele origin: germline.
Comment: This sequence change replaces lysine with glutamic acid at codon 1009 of the CACNA2D2 protein (p.Lys1009Glu). The lysine residue is highly conserved and there is a small physicochemical difference between lysine and glutamic acid. This variant is not present in population databases (ExAC no frequency). This variant has not been reported in the literature in individuals affected with CACNA2D2-related conditions. Algorithms developed to predict the effect of missense changes on protein structure and function are either unavailable or do not agree on the potential impact of this missense change (SIFT: "Tolerated"; PolyPhen-2: "Possibly Damaging"; Align-GVGD: "Class C0"). In summary, the available evidence is currently insufficient to determine the role of this variant in disease. Therefore, it has been classified as a Variant of Uncertain Significance.

NM_006030.4(CACNA2D2):c.3025A>G (p.Lys1009Glu)

Genes: CACNA2D2 (calcium voltage-gated channel auxiliary subunit alpha2delta 2; minus strand), LOC101928965 (uncharacterized LOC101928965; plus strand), LOC127898564 (CYB561D2-LOC101928965; plus strand). Cytogenetic location: 3p21.31.
Variant type: single nucleotide variant.
Coding change: c.3025A>G on transcript NM_006030.4 (MANE Select); coding-DNA position 3025, A replaced by G.
Protein change: p.Lys1009Glu; replaces lysine 1009 with glutamic acid.
Molecular consequence: missense variant. On other transcripts: non-coding transcript variant (2).
Genome position (GRCh38, 1-based): chr3:50,365,429, T>C on the plus strand (A>G on the coding strand, the complement: CACNA2D2 is on the minus strand). VCF-style: chr3-50365429-T-C. GRCh37 (hg19) VCF-style: chr3-50402860-T-C.
Other names: c.3025A>G, p.Lys1009Glu (NM_001005505.3); c.3046A>G, p.Lys1016Glu (NM_001174051.3); c.2818A>G, p.Lys940Glu (NM_001291101.1); short protein forms K1009E, K1016E, K940E.
Identifiers: ClinVar variation 1384780 (VCV001384780.6), dbSNP rs1553725490, ClinGen allele CA352901241.